The following is an entry in ClinVar:

NM_001903.5(CTNNA1):c.56A>G (p.Glu19Gly)

Gene: CTNNA1 (catenin alpha 1; plus strand). Cytogenetic location: 5q31.2.
Variant type: single nucleotide variant.
Coding change: c.56A>G on transcript NM_001903.5 (MANE Select); coding-DNA position 56, A replaced by G.
Protein change: p.Glu19Gly; replaces glutamic acid 19 with glycine.
Molecular consequence: missense variant. On other transcripts: 5 prime UTR variant (2).
Genome position (GRCh38, 1-based): chr5:138,781,980, A>G. VCF-style: chr5-138781980-A-G. GRCh37 (hg19) VCF-style: chr5-138117669-A-G.
Other names: c.56A>G, p.Glu19Gly (NM_001290307.3, NM_001323982.2, NM_001323983.1 and 3 more transcripts); c.-58A>G (NM_001290309.3); c.-151A>G (NM_001290310.3); short protein forms E19G.
Identifiers: ClinVar variation 660586 (VCV000660586.8), dbSNP rs1580978110, ClinGen allele CA361477142.
Genomic context (GRCh38, chr5:138,781,980, plus strand): 5'-TAGAAATGACTGCTGTCCATGCAGGCAACATAAACTTCAAGTGGGATCCTAAAAGTCTAG[A>G]GATCAGGACTCTGGCAGTTGAGAGACTGTTGGAGCCTCTTGTTACACAGGTAAGAATCTG-3'
Protein context (NP_001894.2, residues 9-29): INFKWDPKSL[Glu19Gly]IRTLAVERLL

ClinVar aggregate classification (germline): Uncertain significance (1 of 4 stars; one submission).

Submission:

Labcorp Genetics (formerly Invitae), Labcorp
Classification: Uncertain significance. Last evaluated: 2025-08-11. Review status: criteria provided, single submitter. Criteria: Invitae Variant Classification Sherloc (09022015). Collection method: clinical testing. Allele origin: germline.
Comment: This sequence change replaces glutamic acid, which is acidic and polar, with glycine, which is neutral and non-polar, at codon 19 of the CTNNA1 protein (p.Glu19Gly). This variant is not present in population databases (gnomAD no frequency). This variant has not been reported in the literature in individuals affected with CTNNA1-related conditions. ClinVar contains an entry for this variant (Variation ID: 660586). Invitae Evidence Modeling of protein sequence and biophysical properties (such as structural, functional, and spatial information, amino acid conservation, physicochemical variation, residue mobility, and thermodynamic stability) indicates that this missense variant is not expected to disrupt CTNNA1 protein function with a negative predictive value of 80%. In summary, the available evidence is currently insufficient to determine the role of this variant in disease. Therefore, it has been classified as a Variant of Uncertain Significance.